The following is an entry in ClinVar:

NM_020971.3(SPTBN4):c.3577G>A (p.Glu1193Lys)

Gene: SPTBN4 (spectrin beta, non-erythrocytic 4; plus strand). Cytogenetic location: 19q13.2.
Variant type: single nucleotide variant.
Coding change: c.3577G>A on transcript NM_020971.3 (MANE Select); coding-DNA position 3577, G replaced by A.
Protein change: p.Glu1193Lys; replaces glutamic acid 1193 with lysine.
Molecular consequence: missense variant.
Genome position (GRCh38, 1-based): chr19:40,520,074, G>A. VCF-style: chr19-40520074-G-A. GRCh37 (hg19) VCF-style: chr19-41025981-G-A.
Other names: short protein forms E1193K.
Identifiers: ClinVar variation 2057859 (VCV002057859.5), dbSNP rs199521236, ClinGen allele CA9446023.
Genomic context (GRCh38, chr19:40,520,074, plus strand): 5'-TGGCTGCCACACCTCGAACTTGGCTGGCATAAACTGCTCGGCTTGTGGGAGGCGCGCAGG[G>A]AGGCGCTGGTCCAGGCGCACATCTACCAGCTCTTCCTGCGGGATCTACGCCAGGCGCTCG-3'
Protein context (NP_066022.2, residues 1183-1203): KLLGLWEARR[Glu1193Lys]ALVQAHIYQL

ClinVar aggregate classification (germline): Likely benign. Review status: criteria provided, single submitter (1 of 4 stars). 2 submissions from 2 submitters: Likely benign (1). 1 of the submissions does not count toward it. Last evaluated 2023-12-20.

Conditions:
SPTBN4-related disorder. Also called: SPTBN4-related condition.

Allele frequency attached by ClinVar (database versions not stated): ESP Exome Variant Server 0.00039; 1000 Genomes Project 0.00080; gnomAD 0.00093; 1000 Genomes Project 30x 0.00094; TOPMed 0.00097; ExAC 0.00109; gnomAD exomes 0.00137.
gnomAD v4.1: 2,009 of 1,514,166 alleles (0.13%); highest among the groups gnomAD compares: Non-Finnish European, 0.16%; 2 homozygotes.

Submissions (2):

Labcorp Genetics (formerly Invitae), Labcorp
Classification: Likely benign. Last evaluated: 2023-12-20. Review status: criteria provided, single submitter. Criteria: Invitae Variant Classification Sherloc (09022015). Collection method: clinical testing. Allele origin: germline.

PreventionGenetics, part of Exact Sciences
Classification: Likely benign for SPTBN4-related condition. Last evaluated: 2022-07-14. Review status: no assertion criteria provided. Collection method: clinical testing. Allele origin: germline. Not counted in ClinVar's aggregate classification.
Comment: This variant is classified as likely benign based on ACMG/AMP sequence variant interpretation guidelines (Richards et al. 2015 PMID: 25741868, with internal and published modifications).